The following is an entry in ClinVar:

NM_178857.6(RP1L1):c.2380G>T (p.Glu794Ter)

Gene: RP1L1 (RP1 like 1). Cytogenetic location: 8p23.1.
Variant type: single nucleotide variant.
Coding change: c.2380G>T on transcript NM_178857.6 (MANE Select); coding-DNA position 2380, G replaced by T.
Protein change: p.Glu794Ter; replaces glutamic acid 794 with a stop codon.
Molecular consequence: nonsense.
Genome position (GRCh38, 1-based): chr8:10,611,718, C>A on the plus strand (G>T on the coding strand, the complement: RP1L1 is on the minus strand). VCF-style: chr8-10611718-C-A. GRCh37 (hg19) VCF-style: chr8-10469228-C-A.
Other names: short protein forms E794*.
Identifiers: ClinVar variation 1678613 (VCV001678613.2), dbSNP rs267601690, ClinGen allele CA4624852.

ClinVar aggregate classification (germline): Likely pathogenic (1 of 4 stars; one submission).

Conditions:
Retinitis pigmentosa 88. Identifiers: MedGen C5394208, MONDO:0032940, OMIM 618826.

gnomAD v4.1: 1 of 1,613,588 alleles (0.000062%); highest among the groups gnomAD compares: South Asian, 0.0011%; no homozygotes.

Submission:

Molecular Genetics, Royal Melbourne Hospital
Classification: Likely pathogenic for Retinitis pigmentosa 88. Last evaluated: 2020-11-20. Review status: criteria provided, single submitter. Criteria: ACMG Guidelines, 2015. Collection method: clinical testing. Allele origin: germline. Affected: yes.
Comment: This sequence change creates a premature termination codon at position 794 in exon 4 (of 4) of RP1L1 (p.Glu794*). While this is not anticipated to result in nonsense mediated decay, it is expected to disrupt the last 1,605 amino acids and remove >50% of the protein. Pathogenic truncating variants have been reported downstream of this variant in autosomal recessive retinitis pigmentosa cases (PMID: 30025130, 31236346, 31833436 - PVS1_Strong). The variant is present in a large population cohort at a frequency of 0.0004%, which is consistent with recessive disease (rs267601690, 1/249,014 alleles, 0 homozygotes in gnomAD 2.1 - PM2). The variant has not been reported in the relevant medical literature or databases. Based on the classification scheme RMH ACMG Guidelines v1.2.1, this variant is classified as LIKELY PATHOGENIC. Following criteria are met: PVS1_Strong, PM2.

Literature cited by the submitters: PubMed 30025130; PubMed 31236346; PubMed 31833436.